The following is an entry in ClinVar:

ClinVar aggregate classification (germline): Uncertain significance (1 of 4 stars; one submission).

Conditions:
Inborn genetic diseases. Identifiers: MedGen C0950123, MeSH D030342.

gnomAD v4.1: 3 of 1,614,014 alleles (0.00019%); highest among the groups gnomAD compares: Non-Finnish European, 0.00025%; no homozygotes.

Submission:

Ambry Genetics
Classification: Uncertain significance for Inborn genetic diseases. Last evaluated: 2026-08-31. Review status: criteria provided, single submitter. Criteria: Ambry Variant Classification Scheme 2023. Collection method: clinical testing. Allele origin: germline.
Comment: The c.272C>G (p.P91R) alteration is located in exon 1 (coding exon 1) of the KCNA6 gene. This alteration results from a C to G substitution at nucleotide position 272, causing the proline (P) at amino acid position 91 to be replaced by an arginine (R). Based on data from gnomAD, the G allele has an overall frequency of 0.003% (1/31382) total alleles studied. The highest observed frequency was 0.007% (1/15418) of European (non-Finnish) alleles. Based on insufficient or conflicting evidence, the clinical significance of this alteration remains unclear.

NM_002235.5(KCNA6):c.272C>G (p.Pro91Arg)

Genes: KCNA6 (potassium voltage-gated channel subfamily A member 6; plus strand), KCNA6-AS1 (KCNA6 antisense RNA 1; minus strand). Cytogenetic location: 12p13.32.
Variant type: single nucleotide variant.
Coding change: c.272C>G on transcript NM_002235.5 (MANE Select); coding-DNA position 272, C replaced by G.
Protein change: p.Pro91Arg; replaces proline 91 with arginine.
Molecular consequence: missense variant. On other transcripts: non-coding transcript variant (3).
Genome position (GRCh38, 1-based): chr12:4,810,313, C>G. VCF-style: chr12-4810313-C-G. GRCh37 (hg19) VCF-style: chr12-4919479-C-G.
Other names: short protein forms P91R.
Identifiers: ClinVar variation 5022939 (VCV005022939.1).